The following is an entry in ClinVar:

ClinVar aggregate classification (germline): Likely pathogenic (1 of 4 stars; one submission).

Conditions:
SLC4A4-related disorder. Also called: SLC4A4-related condition.

gnomAD v4.1: 3 of 1,613,590 alleles (0.00019%); highest among the groups gnomAD compares: Non-Finnish European, 0.00017%; no homozygotes.

Submission:

PreventionGenetics, part of Exact Sciences
Classification: Likely pathogenic for SLC4A4-related condition. Last evaluated: 2023-05-03. Review status: criteria provided, single submitter. Criteria: ACMG Guidelines, 2015. Collection method: clinical testing. Allele origin: germline.
Comment: The SLC4A4 c.1885G>T variant is predicted to result in premature protein termination (p.Glu629*). To our knowledge, this variant has not been reported in the literature or in a large population database, indicating this variant is rare. Nonsense variants in SLC4A4 are expected to be pathogenic. This variant is interpreted as likely pathogenic.

NM_001098484.3(SLC4A4):c.2017G>T (p.Glu673Ter)

Gene: SLC4A4 (solute carrier family 4 member 4; plus strand). Cytogenetic location: 4q13.3.
Variant type: single nucleotide variant.
Coding change: c.2017G>T on transcript NM_001098484.3 (MANE Select); coding-DNA position 2017, G replaced by T.
Protein change: p.Glu673Ter; replaces glutamic acid 673 with a stop codon.
Molecular consequence: nonsense.
Genome position (GRCh38, 1-based): chr4:71,497,543, G>T. VCF-style: chr4-71497543-G-T. GRCh37 (hg19) VCF-style: chr4-72363260-G-T.
Other names: c.2017G>T, p.Glu673Ter (NM_001134742.2); c.1885G>T, p.Glu629Ter (NM_003759.4); short protein forms E629*, E673*.
Identifiers: ClinVar variation 2633027 (VCV002633027.1), dbSNP rs752089136, ClinGen allele CA357421099.
Genomic context (GRCh38, chr4:71,497,543, plus strand): 5'-AATGTTTTTCTTCTTCAGTACCATAATACTACCTTTGACTGGGCATTTTTGTCGAAGAAG[G>T]AGTGTTCAAAATACGGAGGAAACCTCGTCGGGAACAACTGTAATTTTGTTCCTGATATCA-3'